The following is an entry in ClinVar:

ClinVar aggregate classification (germline): Uncertain significance. Review status: criteria provided, single submitter (1 of 4 stars). 2 submissions from 2 submitters: Uncertain significance (1). 1 of the submissions does not count toward it. Last evaluated 2022-12-07.

Conditions:
Usher syndrome type 2A. Also called: RETINAL DISEASE IN USHER SYNDROME TYPE IIA, MODIFIER OF; USHER SYNDROME, TYPE IIA. Identifiers: Orphanet 231178, Orphanet 886, MedGen C1848634, MONDO:0010169, OMIM 276901.

Submissions (2):

GeneDx
Classification: Uncertain significance. Last evaluated: 2022-12-07. Review status: criteria provided, single submitter. Criteria: GeneDx Variant Classification Process June 2021. Collection method: clinical testing. Allele origin: germline. Affected: yes.
Comment: Not observed at significant frequency in large population cohorts (gnomAD); In silico analysis supports that this missense variant has a deleterious effect on protein structure/function; Has not been previously published as pathogenic or benign to our knowledge

Natera, Inc.
Classification: Uncertain significance for Usher syndrome type 2A. Last evaluated: 2025-01-27. Review status: no assertion criteria provided. Collection method: clinical testing. Allele origin: germline. Not counted in ClinVar's aggregate classification.

NM_206933.4(USH2A):c.14195C>T (p.Pro4732Leu)

Gene: USH2A (usherin; minus strand). Cytogenetic location: 1q41.
Variant type: single nucleotide variant.
Coding change: c.14195C>T on transcript NM_206933.4 (MANE Select); coding-DNA position 14195, C replaced by T.
Protein change: p.Pro4732Leu; replaces proline 4732 with leucine.
Molecular consequence: missense variant.
Genome position (GRCh38, 1-based): chr1:215,650,740, G>A on the plus strand (C>T on the coding strand, the complement: USH2A is on the minus strand). VCF-style: chr1-215650740-G-A. GRCh37 (hg19) VCF-style: chr1-215824082-G-A.
Other names: short protein forms P4732L.
Identifiers: ClinVar variation 2505020 (VCV002505020.2), dbSNP rs777435863, ClinGen allele CA344835803.